The following is an entry in ClinVar:

ClinVar aggregate classification (germline): Likely pathogenic. Review status: criteria provided, multiple submitters, no conflicts (2 of 4 stars). 2 submissions from 2 submitters: Likely pathogenic (2). Last evaluated 2025-12-31.

Conditions:
SLC5A2-related disorder. Also called: SLC5A2-related condition.
Familial renal glucosuria (GLYS). Also called: RENAL GLUCOSURIA, AUTOSOMAL DOMINANT; Familial renal glycosuria. Identifiers: Orphanet 69076, MedGen C3245525, MONDO:0009297, OMIM 233100.

Submissions (2):

3billion
Classification: Likely pathogenic for Familial renal glucosuria. Last evaluated: 2025-12-31. Review status: criteria provided, single submitter. Criteria: ACMG Guidelines, 2015. Collection method: clinical testing. Allele origin: germline. Affected: yes.
Comment: The variant is observed at an extremely low frequency in the gnomAD v4.1.0 dataset (total allele frequency: <0.001%). Predicted Consequence/Location: Intron variant Functional studies provide moderate evidence of the variant having a damaging effect on the gene or gene product (PMID: 27666404). In silico tools predict the variant to alter splicing and produce an abnormal transcript [SpliceAI: 0.27 (>=0.2, moderate evidence for spliceogenicity)]. The variant has been reported to be associated with SLC5A2-related disorder (PMID: 27666404). Therefore, this variant is classified as Likely pathogenic according to the recommendation of ACMG/AMP guideline.

PreventionGenetics, part of Exact Sciences
Classification: Likely pathogenic for SLC5A2-related condition. Last evaluated: 2025-03-13. Review status: criteria provided, single submitter. Criteria: ACMG Guidelines, 2015. Collection method: clinical testing. Allele origin: germline.
Comment: The SLC5A2 c.886-31_886-10del22 variant is predicted to result in an intronic deletion. This variant, also referred at as c.886(-10_-31)del in the literature, has been reported in individuals form Chinese cohorts of renal glucosuria (Zhao et al. 2016. PubMed ID: 27666404; Wang et al. 2018. PubMed ID: 30593819). In a functional study this variant was shown to disrupt the branch site sequence leading to aberrant splicing and skipping of exon 8 (Zhao et al. 2016. PubMed ID: 2766640). Clinical examination of individuals heterozygous for c.886-31_886-10del22, showed a higher level of renal glucosuria then individuals heterozygous for other variants, suggesting that this variant may have a greater impact on SGLT2 transport activity (Wang et al. 2018. PubMed ID: 30593819). This variant is reported in 0.011% of alleles in individuals of East Asian descent in gnomAD. This variant is interpreted as likely pathogenic.

Literature cited by the submitters: PubMed 27666404 (cited by 3billion).

NM_003041.4(SLC5A2):c.886-31_886-10del

Gene: SLC5A2 (solute carrier family 5 member 2; plus strand). Cytogenetic location: 16p11.2.
Variant type: Deletion.
Coding change: c.886-31_886-10del on transcript NM_003041.4 (MANE Select); 31 bases into the intron before coding-DNA position 886 through 10 bases into the intron before coding-DNA position 886, 22 bases deleted (GCAAGCGGGCAGCTGAACGCCC).
Molecular consequence: intron variant.
Genome position (GRCh38, 1-based): chr16:31,488,007-31,488,028, GCAAGCGGGCAGCTGAACGCCC deleted; deleting any 22 consecutive bases within chr16:31,488,003-31,488,028 gives the same sequence; the c. name uses the placement nearest the transcript's 3' end. VCF-style (leftmost placement, unchanged base first): chr16-31488002-GGCCCGCAAGCGGGCAGCTGAAC-G. GRCh37 (hg19) VCF-style: chr16-31499323-GGCCCGCAAGCGGGCAGCTGAAC-G.
Other names: c.886-31_886-10del22 (NM_003041.3).
Identifiers: ClinVar variation 4854803 (VCV004854803.2).